The following is an entry in ClinVar:

ClinVar aggregate classification (germline): Pathogenic (1 of 4 stars; one submission).

Conditions:
Primary ciliary dyskinesia 3. Identifiers: Orphanet 244, MedGen C1837618, MONDO:0012085, OMIM 608644.

Submission:

Myriad Genetics, Inc.
Classification: Pathogenic for Primary ciliary dyskinesia 3. Last evaluated: 2024-05-14. Review status: criteria provided, single submitter. Criteria: Myriad Autosomal Dominant, Autosomal Recessive and X-Linked Classification Criteria (2023). Collection method: clinical testing. Allele origin: unknown.
Comment: NM_001369.2(DNAH5):c.11475_11476ins16(L3826Cfs*12) is expected to be pathogenic in the context of primary ciliary dyskinesia, DNAH5-related. This variant is predicted to lead to an abnormal or absent protein product due to the creation of a premature termination codon in DNAH5, a gene where loss-of-function variants are known to be pathogenic. Please note: this variant was assessed in the context of healthy population screening.

NM_001369.3(DNAH5):c.11475_11476insTGTCTCTTATACACAT (p.Leu3826fs)

Gene: DNAH5 (dynein axonemal heavy chain 5; minus strand). Cytogenetic location: 5p15.2.
Variant type: Insertion.
Coding change: c.11475_11476insTGTCTCTTATACACAT on transcript NM_001369.3 (MANE Select); coding-DNA positions 11475 to 11476, TGTCTCTTATACACAT inserted.
Protein change: p.Leu3826fs; shifts the reading frame from leucine 3826.
Molecular consequence: frameshift variant.
Genome position: GRCh38 VCF-style: chr5-13735912-G-GATGTGTATAAGAGACA. GRCh37 (hg19) VCF-style: chr5-13736021-G-GATGTGTATAAGAGACA.
Other names: short protein forms L3826fs.
Identifiers: ClinVar variation 5010493 (VCV005010493.1).
Genomic context (GRCh38, chr5:13,735,912, plus strand): 5'-GGCGAAGCGAAGTCTGATACATCTCATTAACCAAGCGCATCTCAGTAATGAGGAAGTAGA[G>GATGTGTATAAGAGACA]GATGCTGCCCCGCGTAGCCACTGGAAGACAAAGAGCAAGGTTGCATGTGCTACGAGAGAG-3'